The following is an entry in ClinVar:

NM_152424.4(AMER1):c.3007A>G (p.Ile1003Val)

Gene: AMER1 (APC membrane recruitment protein 1; minus strand). Cytogenetic location: Xq11.2.
Variant type: single nucleotide variant.
Coding change: c.3007A>G on transcript NM_152424.4 (MANE Select); coding-DNA position 3007, A replaced by G.
Protein change: p.Ile1003Val; replaces isoleucine 1003 with valine.
Molecular consequence: missense variant.
Genome position (GRCh38, 1-based): chrX:64,190,280, T>C on the plus strand (A>G on the coding strand, the complement: AMER1 is on the minus strand). VCF-style: chrX-64190280-T-C. GRCh37 (hg19) VCF-style: chrX-63410160-T-C.
Other names: short protein forms I1003V.
Identifiers: ClinVar variation 3609472 (VCV003609472.2).

ClinVar aggregate classification (germline): Uncertain significance (1 of 4 stars; one submission).

Submission:

Labcorp Genetics (formerly Invitae), Labcorp
Classification: Uncertain significance. Last evaluated: 2024-11-04. Review status: criteria provided, single submitter. Criteria: Invitae Variant Classification Sherloc (09022015). Collection method: clinical testing. Allele origin: germline.
Comment: This sequence change replaces isoleucine, which is neutral and non-polar, with valine, which is neutral and non-polar, at codon 1003 of the AMER1 protein (p.Ile1003Val). This variant is present in population databases (no rsID available, gnomAD no frequency). This variant has not been reported in the literature in individuals affected with AMER1-related conditions. An algorithm developed to predict the effect of missense changes on protein structure and function outputs the following: PolyPhen-2: "Benign". The valine amino acid residue is found in multiple mammalian species, which suggests that this missense change does not adversely affect protein function. In summary, the available evidence is currently insufficient to determine the role of this variant in disease. Therefore, it has been classified as a Variant of Uncertain Significance.